The following is an entry in ClinVar:

ClinVar aggregate classification (germline): Conflicting classifications of pathogenicity. Review status: criteria provided, conflicting classifications (1 of 4 stars). 3 submissions from 3 submitters: Uncertain significance (1); Likely benign (1). 1 of the submissions does not count toward it. Last evaluated 2025-06-29.

Conditions:
LRP5-related disorder. Also called: LRP5-related condition.
Osteogenesis imperfecta (OI). Identifiers: Orphanet 666, MedGen C0029434, MeSH D010013, MONDO:0019019.

Submissions (3):

Labcorp Genetics (formerly Invitae), Labcorp
Classification: Likely benign. Last evaluated: 2025-06-29. Review status: criteria provided, single submitter. Criteria: Invitae Variant Classification Sherloc (09022015). Collection method: clinical testing. Allele origin: germline.

Genome Diagnostics Laboratory, The Hospital for Sick Children
Classification: Uncertain significance for Osteogenesis imperfecta. Last evaluated: 2021-05-25. Review status: criteria provided, single submitter. Criteria: ACMG Guidelines, 2015. Collection method: clinical testing. Allele origin: germline.

PreventionGenetics, part of Exact Sciences
Classification: Likely benign for LRP5-related condition. Last evaluated: 2022-04-11. Review status: no assertion criteria provided. Collection method: clinical testing. Allele origin: germline. Not counted in ClinVar's aggregate classification.
Comment: This variant is classified as likely benign based on ACMG/AMP sequence variant interpretation guidelines (Richards et al. 2015 PMID: 25741868, with internal and published modifications).

NM_002335.4(LRP5):c.4230G>A (p.Val1410=)

Gene: LRP5 (LDL receptor related protein 5; plus strand). Cytogenetic location: 11q13.2.
Variant type: single nucleotide variant.
Coding change: c.4230G>A on transcript NM_002335.4 (MANE Select); coding-DNA position 4230, G replaced by A.
Protein change: p.Val1410=; no amino-acid change (valine 1410 retained).
Molecular consequence: synonymous variant.
Genome position (GRCh38, 1-based): chr11:68,438,564, G>A. VCF-style: chr11-68438564-G-A. GRCh37 (hg19) VCF-style: chr11-68206032-G-A.
Other names: c.2487G>A, p.Val829= (NM_001291902.2).
Identifiers: ClinVar variation 1702021 (VCV001702021.8), dbSNP rs752100031, ClinGen allele CA475516855.